The following is an entry in ClinVar:

ClinVar aggregate classification (germline): Likely pathogenic (1 of 4 stars; one submission).

Allele frequency attached by ClinVar (database versions not stated): ExAC 0.00001; gnomAD exomes 0.00001.
gnomAD v4.1: 8 of 1,355,406 alleles (0.00059%); highest among the groups gnomAD compares: South Asian, 0.0026%; no homozygotes.

Submission:

Labcorp Genetics (formerly Invitae), Labcorp
Classification: Likely pathogenic. Last evaluated: 2024-05-31. Review status: criteria provided, single submitter. Criteria: Invitae Variant Classification Sherloc (09022015). Collection method: clinical testing. Allele origin: germline.
Comment: This sequence change affects a donor splice site in intron 5 of the TRAF3IP1 gene. It is expected to disrupt RNA splicing. Variants that disrupt the donor or acceptor splice site typically lead to a loss of protein function (PMID: 16199547), and loss-of-function variants in TRAF3IP1 are known to be pathogenic (PMID: 21945076, 26487268, 29068549). This variant is present in population databases (rs747753013, gnomAD 0.009%). This variant has not been reported in the literature in individuals affected with TRAF3IP1-related conditions. ClinVar contains an entry for this variant (Variation ID: 1519642). Algorithms developed to predict the effect of sequence changes on RNA splicing suggest that this variant may disrupt the consensus splice site. In summary, the currently available evidence indicates that the variant is pathogenic, but additional data are needed to prove that conclusively. Therefore, this variant has been classified as Likely Pathogenic.

Literature cited by the submitters: PubMed 16199547; PubMed 21945076; PubMed 26487268; PubMed 29068549.

NM_015650.4(TRAF3IP1):c.915+1G>A

Gene: TRAF3IP1 (TRAF3 interacting protein 1; plus strand). Cytogenetic location: 2q37.3.
Variant type: single nucleotide variant.
Coding change: c.915+1G>A on transcript NM_015650.4 (MANE Select); the canonical splice donor site of the intron after coding-DNA position 915, G replaced by A.
Molecular consequence: splice donor variant.
Genome position (GRCh38, 1-based): chr2:238,329,343, G>A. VCF-style: chr2-238329343-G-A. GRCh37 (hg19) VCF-style: chr2-239237984-G-A.
Other names: c.915+1G>A (NM_001139490.1).
Identifiers: ClinVar variation 1519642 (VCV001519642.6), dbSNP rs747753013, ClinGen allele CA2198173.
Genomic context (GRCh38, chr2:238,329,343, plus strand): 5'-GAGCACTCCTGGGACCTGGACAGGGAGAAGAACAGAGAGCATGACAAACCTGAGAAAAAG[G>A]TAAAGTCTTGCTGAGAACCTCGCCTTTTGCTTAGCAAGAGTTTGTGGTGGTCTCAAACAT-3'